The following is an entry in ClinVar:

NM_001376571.1(MADD):c.469C>T (p.Pro157Ser)

Gene: MADD (MAP kinase activating death domain; plus strand). Cytogenetic location: 11p11.2.
Variant type: single nucleotide variant.
Coding change: c.469C>T on transcript NM_001376571.1 (MANE Select); coding-DNA position 469, C replaced by T.
Protein change: p.Pro157Ser; replaces proline 157 with serine.
Molecular consequence: missense variant. On other transcripts: non-coding transcript variant (8), intron variant (1).
Genome position (GRCh38, 1-based): chr11:47,274,969, C>T. VCF-style: chr11-47274969-C-T. GRCh37 (hg19) VCF-style: chr11-47296520-C-T.
Other names: c.469C>T, p.Pro157Ser (NM_001376581.1, NM_001376582.1, NM_001376583.1 and 80 more transcripts); c.265C>T, p.Pro89Ser (NM_001376626.1, NM_001376627.1, NM_001376644.1 and 9 more transcripts); c.-7-930C>T (NM_001376663.1); short protein forms P157S, P89S.
Identifiers: ClinVar variation 2349368 (VCV002349368.4), dbSNP rs187671926, ClinGen allele CA5973867.

ClinVar aggregate classification (germline): Uncertain significance. Review status: criteria provided, multiple submitters, no conflicts (2 of 4 stars). 2 submissions from 2 submitters: Uncertain significance (2). Last evaluated 2026-04-15.

Conditions:
Inborn genetic diseases. Identifiers: MedGen C0950123, MeSH D030342.

Allele frequency attached by ClinVar (database versions not stated): 1000 Genomes Project 0.00040; TOPMed 0.00032; ESP Exome Variant Server 0.00038; 1000 Genomes Project 30x 0.00047; gnomAD 0.00042; ExAC 0.00064.

Submissions (2):

GeneDx
Classification: Uncertain significance. Last evaluated: 2026-04-15. Review status: criteria provided, single submitter. Criteria: GeneDx Variant Classification Process June 2021. Collection method: clinical testing. Allele origin: germline.
Comment: In silico analysis supports that this missense variant has a deleterious effect on protein structure/function; Has not been previously published as pathogenic or benign to our knowledge

Ambry Genetics
Classification: Uncertain significance for Inborn genetic diseases. Last evaluated: 2022-05-03. Review status: criteria provided, single submitter. Criteria: Ambry Variant Classification Scheme 2023. Collection method: clinical testing. Allele origin: germline.